The following is an entry in ClinVar:

ClinVar aggregate classification (germline): Uncertain significance (1 of 4 stars; one submission).

Submission:

CeGaT Center for Human Genetics Tuebingen
Classification: Uncertain significance. Last evaluated: 2023-04-01. Review status: criteria provided, single submitter. Criteria: CeGaT Center For Human Genetics Tuebingen Variant Classification Criteria Version 2. Collection method: clinical testing. Allele origin: germline. Affected: yes. Observed: 1 variant allele.
Comment: PDGFRB: PM2, PM5

NM_002609.4(PDGFRB):c.1700A>G (p.Lys567Arg)

Gene: PDGFRB (platelet derived growth factor receptor beta; minus strand). Cytogenetic location: 5q32.
Variant type: single nucleotide variant.
Coding change: c.1700A>G on transcript NM_002609.4 (MANE Select); coding-DNA position 1700, A replaced by G.
Protein change: p.Lys567Arg; replaces lysine 567 with arginine.
Molecular consequence: missense variant.
Genome position (GRCh38, 1-based): chr5:150,125,552, T>C on the plus strand (A>G on the coding strand, the complement: PDGFRB is on the minus strand). VCF-style: chr5-150125552-T-C. GRCh37 (hg19) VCF-style: chr5-149505115-T-C.
Other names: c.1508A>G, p.Lys503Arg (NM_001355016.2); c.1217A>G, p.Lys406Arg (NM_001355017.2); short protein forms K406R, K503R, K567R.
Identifiers: ClinVar variation 2655908 (VCV002655908.24), dbSNP rs2481203791, ClinGen allele CA361766356.